The following is an entry in ClinVar:

ClinVar aggregate classification (germline): Pathogenic. Review status: criteria provided, multiple submitters, no conflicts (2 of 4 stars). 5 submissions from 5 submitters: Pathogenic (5). Last evaluated 2025-10-16.

Conditions:
Hereditary pulmonary alveolar proteinosis. Also called: Pulmonary surfactant metabolism dysfunction. Identifiers: Orphanet 264675, MedGen C3711368, MONDO:0012580.
Interstitial lung disease due to ABCA3 deficiency. Also called: PULMONARY ALVEOLAR PROTEINOSIS, CONGENITAL, 3. Identifiers: Orphanet 440402, MedGen C1970456, MONDO:0012582, OMIM 610921.
ABCA3-related disorder. Also called: ABCA3-related condition.

Allele frequency attached by ClinVar (database versions not stated): gnomAD exomes below 0.00001.

Submissions (5):

Myriad Genetics, Inc.
Classification: Pathogenic for Interstitial lung disease due to ABCA3 deficiency. Last evaluated: 2025-10-16. Review status: criteria provided, single submitter. Criteria: Myriad Autosomal Dominant, Autosomal Recessive and X-Linked Classification Criteria (2023). Collection method: clinical testing. Allele origin: unknown.
Comment: NM_001089.2(ABCA3):c.3997_3998delAG(R1333Gfs*24) is expected to be pathogenic in the context of surfactant deficiency, ABCA3-related. This variant is predicted to lead to an abnormal or absent protein product due to the creation of a premature termination codon in ABCA3, a gene where loss-of-function variants are known to be pathogenic. Please note: this variant was assessed in the context of healthy population screening.

Labcorp Genetics (formerly Invitae), Labcorp
Classification: Pathogenic. Last evaluated: 2023-10-08. Review status: criteria provided, single submitter. Criteria: Invitae Variant Classification Sherloc (09022015). Collection method: clinical testing. Allele origin: germline.
Comment: This sequence change creates a premature translational stop signal (p.Arg1333Glyfs*24) in the ABCA3 gene. It is expected to result in an absent or disrupted protein product. Loss-of-function variants in ABCA3 are known to be pathogenic (PMID: 27516224). This variant is not present in population databases (gnomAD no frequency). This premature translational stop signal has been observed in individual(s) with autosomal recessive surfactant deficiency (PMID: 17517255, 24871971). ClinVar contains an entry for this variant (Variation ID: 1317554). For these reasons, this variant has been classified as Pathogenic.

Blueprint Genetics
Classification: Pathogenic for ABCA3-related disorders. Last evaluated: 2023-04-13. Review status: criteria provided, single submitter. Criteria: ACMG Guidelines, 2015. Collection method: clinical testing. Allele origin: germline. Affected: yes. Observed: 2 variant alleles.

GeneDx
Classification: Pathogenic. Last evaluated: 2021-07-21. Review status: criteria provided, single submitter. Criteria: GeneDx Variant Classification Process June 2021. Collection method: clinical testing. Allele origin: germline. Affected: yes.
Comment: Frameshift variant predicted to result in protein truncation or nonsense mediated decay in a gene for which loss-of-function is a known mechanism of disease; Not observed in large population cohorts (Lek et al., 2016); This variant is associated with the following publications: (PMID: 24871971, 17517255)

Ambry Genetics
Classification: Pathogenic for Hereditary pulmonary alveolar proteinosis. Last evaluated: 2017-07-03. Review status: criteria provided, single submitter. Criteria: Ambry Variant Classification Scheme 2023. Collection method: clinical testing. Allele origin: germline.
Comment: The c.3997_3998delAG pathogenic mutation, located in coding exon 23 of the ABCA3 gene, results from a deletion of two nucleotides at nucleotide positions 3997 to 3998, causing a translational frameshift with a predicted alternate stop codon (p.R1333Gfs*24). In one study, a full-term neonate with fatal lung disease was found to be compound heterozygous for this mutation and the ABCA3 p.W12* mutation (Bullard JE et al. Am. J. Respir. Crit. Care Med., 2005 Oct;172:1026-31). In another study, this mutation was found to be homozygous in 3 infants who died prior to 3 months of age (Somaschini M et al. J. Pediatr., 2007 Jun;150:649-53, 653.e1; Wambach JA et al. Am. J. Respir. Crit. Care Med., 2014 Jun;189:1538-43). In addition to the clinical data presented in the literature, this alteration is expected to result in loss of function by premature protein truncation or nonsense-mediated mRNA decay. As such, this alteration is interpreted as a disease-causing mutation.

Literature cited by the submitters: PubMed 27516224 (cited by Labcorp Genetics (formerly Invitae), Labcorp); PubMed 17517255 (cited by Labcorp Genetics (formerly Invitae), Labcorp and Ambry Genetics); PubMed 24871971 (cited by Labcorp Genetics (formerly Invitae), Labcorp and Ambry Genetics); PubMed 15976379 (cited by Ambry Genetics).

NM_001089.3(ABCA3):c.3997_3998del (p.Arg1333fs)

Gene: ABCA3 (ATP binding cassette subfamily A member 3; minus strand). Cytogenetic location: 16p13.3.
Variant type: Deletion.
Coding change: c.3997_3998del on transcript NM_001089.3 (MANE Select); coding-DNA positions 3997 to 3998, 2 bases deleted (AG; older notation c.3997_3998delAG).
Protein change: p.Arg1333fs; shifts the reading frame from arginine 1333.
Molecular consequence: frameshift variant.
Genome position (GRCh38, 1-based): chr16:2,283,223-2,283,224, CT deleted on the plus strand (AG on the coding strand, the reverse complement: ABCA3 is on the minus strand). VCF-style (leftmost placement, unchanged base first): chr16-2283222-CCT-C. GRCh37 (hg19) VCF-style: chr16-2333223-CCT-C.
Other names: c.3997_3998delAG (NM_001089.2); short protein forms R1333fs.
Identifiers: ClinVar variation 1317554 (VCV001317554.9), dbSNP rs2093657764, ClinGen allele CA2202148623.